The following is an entry in ClinVar:

NM_005560.6(LAMA5):c.6538C>T (p.Arg2180Trp)

Gene: LAMA5 (laminin subunit alpha 5; minus strand). Cytogenetic location: 20q13.33.
Variant type: single nucleotide variant.
Coding change: c.6538C>T on transcript NM_005560.6 (MANE Select); coding-DNA position 6538, C replaced by T.
Protein change: p.Arg2180Trp; replaces arginine 2180 with tryptophan.
Molecular consequence: missense variant.
Genome position (GRCh38, 1-based): chr20:62,320,849, G>A on the plus strand (C>T on the coding strand, the complement: LAMA5 is on the minus strand). VCF-style: chr20-62320849-G-A. GRCh37 (hg19) VCF-style: chr20-60895905-G-A.
Other names: short protein forms R2180W.
Identifiers: ClinVar variation 2172583 (VCV002172583.4), dbSNP rs199798998, ClinGen allele CA9941689.

ClinVar aggregate classification (germline): Uncertain significance. Review status: criteria provided, multiple submitters, no conflicts (2 of 4 stars). 2 submissions from 2 submitters: Uncertain significance (2). Last evaluated 2025-11-26.

Allele frequency attached by ClinVar (database versions not stated): gnomAD 0.00001.
gnomAD v4.1: 44 of 1,612,154 alleles (0.0027%); highest among the groups gnomAD compares: Admixed American, 0.018%; no homozygotes.

Submissions (2):

Greenwood Genetic Center Diagnostic Laboratories, Greenwood Genetic Center
Classification: Uncertain significance. Last evaluated: 2025-11-26. Review status: criteria provided, single submitter. Criteria: ACMG Guidelines, 2015. Collection method: clinical testing. Allele origin: germline. Affected: yes.
Comment: PM2, BP4

Labcorp Genetics (formerly Invitae), Labcorp
Classification: Uncertain significance. Last evaluated: 2022-04-02. Review status: criteria provided, single submitter. Criteria: Invitae Variant Classification Sherloc (09022015). Collection method: clinical testing. Allele origin: germline.
Comment: In summary, the available evidence is currently insufficient to determine the role of this variant in disease. Therefore, it has been classified as a Variant of Uncertain Significance. Algorithms developed to predict the effect of missense changes on protein structure and function are either unavailable or do not agree on the potential impact of this missense change (SIFT: "Deleterious"; PolyPhen-2: "Benign"; Align-GVGD: "Class C0"). This variant has not been reported in the literature in individuals affected with LAMA5-related conditions. This variant is present in population databases (rs199798998, gnomAD 0.03%). This sequence change replaces arginine, which is basic and polar, with tryptophan, which is neutral and slightly polar, at codon 2180 of the LAMA5 protein (p.Arg2180Trp).